The following is an entry in ClinVar:

ClinVar aggregate classification (germline): Pathogenic (1 of 4 stars; one submission).

Conditions:
Marfan syndrome (MFS). Also called: MARFAN SYNDROME, TYPE I; Marfan syndrome type 1; Marfan's syndrome; Marfan syndrome, classic; FBN1-Related Marfan Syndrome. Identifiers: Orphanet 284963, Orphanet 558, MedGen C0024796, MONDO:0007947, OMIM 154700.
Familial thoracic aortic aneurysm and aortic dissection (TAAD). Also called: Thoracic aortic aneurysms and dissections. Identifiers: Orphanet 91387, MedGen C4707243, MONDO:0019625.

Submission:

Labcorp Genetics (formerly Invitae), Labcorp
Classification: Pathogenic for Marfan syndrome; Familial thoracic aortic aneurysm and aortic dissection. Last evaluated: 2024-08-06. Review status: criteria provided, single submitter. Criteria: Invitae Variant Classification Sherloc (09022015). Collection method: clinical testing. Allele origin: germline.
Comment: This sequence change creates a premature translational stop signal (p.Tyr2228*) in the FBN1 gene. It is expected to result in an absent or disrupted protein product. Loss-of-function variants in FBN1 are known to be pathogenic (PMID: 17657824, 19293843). This variant is not present in population databases (gnomAD no frequency). This variant has not been reported in the literature in individuals affected with FBN1-related conditions. For these reasons, this variant has been classified as Pathogenic.

Literature cited by the submitters: PubMed 17657824; PubMed 19293843.

NM_000138.5(FBN1):c.6684T>G (p.Tyr2228Ter)

Gene: FBN1 (fibrillin 1; minus strand). Cytogenetic location: 15q21.1.
Variant type: single nucleotide variant.
Coding change: c.6684T>G on transcript NM_000138.5 (MANE Select); coding-DNA position 6684, T replaced by G.
Protein change: p.Tyr2228Ter; replaces tyrosine 2228 with a stop codon.
Molecular consequence: nonsense.
Genome position (GRCh38, 1-based): chr15:48,432,921, A>C on the plus strand (T>G on the coding strand, the complement: FBN1 is on the minus strand). VCF-style: chr15-48432921-A-C. GRCh37 (hg19) VCF-style: chr15-48725118-A-C.
Other names: c.6684T>G, p.Tyr2228Ter (NM_001406716.1); short protein forms Y2228*.
Identifiers: ClinVar variation 3757551 (VCV003757551.2).